The following is an entry in ClinVar:

NM_004006.3(DMD):c.1354C>T (p.Leu452Phe)

Gene: DMD (dystrophin; minus strand). Cytogenetic location: Xp21.1.
Variant type: single nucleotide variant.
Coding change: c.1354C>T on transcript NM_004006.3 (MANE Select); coding-DNA position 1354, C replaced by T.
Protein change: p.Leu452Phe; replaces leucine 452 with phenylalanine.
Molecular consequence: missense variant.
Genome position (GRCh38, 1-based): chrX:32,614,431, G>A on the plus strand (C>T on the coding strand, the complement: DMD is on the minus strand). VCF-style: chrX-32614431-G-A. GRCh37 (hg19) VCF-style: chrX-32632548-G-A.
Other names: c.1330C>T, p.Leu444Phe (NM_000109.4); c.1342C>T, p.Leu448Phe (NM_004009.3); c.985C>T, p.Leu329Phe (NM_004010.3); short protein forms L329F, L444F, L448F, L452F.
Identifiers: ClinVar variation 2427162 (VCV002427162.7), dbSNP rs2519183424, ClinGen allele CA412670427.
Genomic context (GRCh38, chrX:32,614,431, plus strand): 5'-TTGTTCTTTCTTCTGTTTTTGTTAGCCAGTCATTCAACTCTTTCAGTTTCTGATTCTGGA[G>A]ATCCATTAAAACTCTATGTAAACTGAAAATTTGAAAGAAGCCTATTATGACCTCTTTGAA-3'
Protein context (NP_003997.2, residues 442-462): QSNLHRVLMD[Leu452Phe]QNQKLKELND

ClinVar aggregate classification (germline): Uncertain significance (1 of 4 stars; one submission).

Conditions:
Duchenne muscular dystrophy (DMD). Also called: Duchenne Muscular Dystrophy (DMD); MUSCULAR DYSTROPHY, PSEUDOHYPERTROPHIC PROGRESSIVE, DUCHENNE TYPE. Identifiers: Orphanet 98896, MedGen C0013264, MONDO:0010679, OMIM 310200.

Submission:

Labcorp Genetics (formerly Invitae), Labcorp
Classification: Uncertain significance for Duchenne muscular dystrophy. Last evaluated: 2022-03-17. Review status: criteria provided, single submitter. Criteria: Invitae Variant Classification Sherloc (09022015). Collection method: clinical testing. Allele origin: germline.
Comment: This variant is not present in population databases (gnomAD no frequency). This sequence change replaces leucine, which is neutral and non-polar, with phenylalanine, which is neutral and non-polar, at codon 452 of the DMD protein (p.Leu452Phe). This variant has not been reported in the literature in individuals affected with DMD-related conditions. Algorithms developed to predict the effect of missense changes on protein structure and function are either unavailable or do not agree on the potential impact of this missense change (SIFT: "Tolerated"; PolyPhen-2: "Probably Damaging"; Align-GVGD: "Class C0"). Algorithms developed to predict the effect of sequence changes on RNA splicing suggest that this variant may create or strengthen a splice site. In summary, the available evidence is currently insufficient to determine the role of this variant in disease. Therefore, it has been classified as a Variant of Uncertain Significance.